The following is an entry in ClinVar:

ClinVar aggregate classification (germline): Uncertain significance (1 of 4 stars; one submission).

gnomAD v4.1: 1 of 1,571,718 alleles (0.000064%); highest among the groups gnomAD compares: Non-Finnish European, 0.000086%; no homozygotes.

Submission:

Labcorp Genetics (formerly Invitae), Labcorp
Classification: Uncertain significance. Last evaluated: 2024-03-12. Review status: criteria provided, single submitter. Criteria: Invitae Variant Classification Sherloc (09022015). Collection method: clinical testing. Allele origin: germline.
Comment: This sequence change replaces proline, which is neutral and non-polar, with serine, which is neutral and polar, at codon 1107 of the RIMS1 protein (p.Pro1107Ser). This variant is not present in population databases (gnomAD no frequency). This variant has not been reported in the literature in individuals affected with RIMS1-related conditions. An algorithm developed to predict the effect of missense changes on protein structure and function (PolyPhen-2) suggests that this variant is likely to be disruptive. In summary, the available evidence is currently insufficient to determine the role of this variant in disease. Therefore, it has been classified as a Variant of Uncertain Significance.

NM_014989.7(RIMS1):c.3319C>T (p.Pro1107Ser)

Gene: RIMS1 (regulating synaptic membrane exocytosis 1; plus strand). Cytogenetic location: 6q13.
Variant type: single nucleotide variant.
Coding change: c.3319C>T on transcript NM_014989.7 (MANE Select); coding-DNA position 3319, C replaced by T.
Protein change: p.Pro1107Ser; replaces proline 1107 with serine.
Molecular consequence: missense variant. On other transcripts: intron variant (17).
Genome position (GRCh38, 1-based): chr6:72,265,970, C>T. VCF-style: chr6-72265970-C-T. GRCh37 (hg19) VCF-style: chr6-72975673-C-T.
Other names: c.1546C>T, p.Pro516Ser (NM_001168407.2, NM_001350415.2, NM_001350422.2 and 7 more transcripts); c.1549C>T, p.Pro517Ser (NM_001168408.2, NM_001350414.2, NM_001350416.2 and 8 more transcripts); c.1306C>T, p.Pro436Ser (NM_001168409.2, NM_001350464.2, NM_001350465.2 and 2 more transcripts); c.1504C>T, p.Pro502Ser (NM_001168410.2, NM_001350473.2); c.1624C>T, p.Pro542Ser (NM_001350418.2, NM_001350434.2); c.1477C>T, p.Pro493Ser (NM_001350421.2, NM_001350430.2, NM_001350450.2 and 1 more transcripts); c.1480C>T, p.Pro494Ser (NM_001350424.2, NM_001350428.2, NM_001350459.2 and 1 more transcripts); c.1486C>T, p.Pro496Ser (NM_001350457.2); and 14 more; short protein forms P1107S, P435S, P436S, P493S, P494S, P495S, P496S, P501S.
Identifiers: ClinVar variation 3618822 (VCV003618822.2).